The following is an entry in ClinVar:

ClinVar aggregate classification (germline): Uncertain significance. Review status: criteria provided, multiple submitters, no conflicts (2 of 4 stars). 4 submissions from 4 submitters: Uncertain significance (4). Last evaluated 2024-11-18.

Conditions:
Familial adenomatous polyposis 1 (FAP1). Also called: FAMILIAL ADENOMATOUS POLYPOSIS 1, ATTENUATED; POLYPOSIS, ADENOMATOUS INTESTINAL. Identifiers: MedGen C2713442, MONDO:0021056, OMIM 175100. Disease mechanism: loss of function.
Hereditary cancer-predisposing syndrome. Also called: Neoplastic Syndromes, Hereditary; Hereditary Cancer Syndrome; Tumor predisposition; Hereditary neoplastic syndrome. Identifiers: Orphanet 140162, MedGen C0027672, MeSH D009386, MONDO:0015356.

Allele frequency attached by ClinVar (database versions not stated): gnomAD 0.00001; gnomAD exomes 0.00001; TOPMed 0.00002.

Submissions (4):

Labcorp Genetics (formerly Invitae), Labcorp
Classification: Uncertain significance for Familial adenomatous polyposis 1. Last evaluated: 2024-11-18. Review status: criteria provided, single submitter. Criteria: Invitae Variant Classification Sherloc (09022015). Collection method: clinical testing. Allele origin: germline.
Comment: This sequence change replaces glycine, which is neutral and non-polar, with glutamic acid, which is acidic and polar, at codon 1106 of the APC protein (p.Gly1106Glu). This variant is present in population databases (no rsID available, gnomAD 0.01%). This variant has not been reported in the literature in individuals affected with APC-related conditions. ClinVar contains an entry for this variant (Variation ID: 582436). Invitae Evidence Modeling of protein sequence and biophysical properties (such as structural, functional, and spatial information, amino acid conservation, physicochemical variation, residue mobility, and thermodynamic stability) indicates that this missense variant is not expected to disrupt APC protein function with a negative predictive value of 95%. In summary, the available evidence is currently insufficient to determine the role of this variant in disease. Therefore, it has been classified as a Variant of Uncertain Significance.

Ambry Genetics
Classification: Uncertain significance for Hereditary cancer-predisposing syndrome. Last evaluated: 2024-07-24. Review status: criteria provided, single submitter. Criteria: Ambry Variant Classification Scheme 2023. Collection method: clinical testing. Allele origin: germline.
Comment: The p.G1106E variant (also known as c.3317G>A), located in coding exon 15 of the APC gene, results from a G to A substitution at nucleotide position 3317. The glycine at codon 1106 is replaced by glutamic acid, an amino acid with similar properties. This amino acid position is conserved. In addition, in silico predictors for this gene do not accurately predict pathogenicity. Since supporting evidence is limited at this time, the clinical significance of this alteration remains unclear.

Color Diagnostics, LLC DBA Color Health
Classification: Uncertain significance for Hereditary cancer-predisposing syndrome. Last evaluated: 2023-12-05. Review status: criteria provided, single submitter. Criteria: ACMG Guidelines, 2015. Collection method: clinical testing. Allele origin: germline.
Comment: This missense variant replaces glycine with glutamic acid at codon 1106 of the APC protein. Computational prediction suggests that this variant may not impact protein structure and function (internally defined REVEL score threshold <= 0.5, PMID: 27666373). To our knowledge, functional studies have not been reported for this variant. This variant has not been reported in individuals affected with APC-related disorders in the literature. This variant has been identified in 1/31414 chromosomes in the general population by the Genome Aggregation Database (gnomAD). The available evidence is insufficient to determine the role of this variant in disease conclusively. Therefore, this variant is classified as a Variant of Uncertain Significance.

GeneDx
Classification: Uncertain significance. Last evaluated: 2023-07-27. Review status: criteria provided, single submitter. Criteria: GeneDx Variant Classification Process June 2021. Collection method: clinical testing. Allele origin: germline. Affected: yes.
Comment: Not observed at significant frequency in large population cohorts (gnomAD); In silico analysis supports that this missense variant does not alter protein structure/function; Has not been previously published as pathogenic or benign to our knowledge; This variant is associated with the following publications: (PMID: 31395942, 30718471, 18199528)

NM_000038.6(APC):c.3317G>A (p.Gly1106Glu)

Gene: APC (APC regulator of Wnt signaling pathway; plus strand). Cytogenetic location: 5q22.2.
Variant type: single nucleotide variant.
Coding change: c.3317G>A on transcript NM_000038.6 (MANE Select); coding-DNA position 3317, G replaced by A.
Protein change: p.Gly1106Glu; replaces glycine 1106 with glutamic acid.
Molecular consequence: missense variant.
Genome position (GRCh38, 1-based): chr5:112,838,911, G>A. VCF-style: chr5-112838911-G-A. GRCh37 (hg19) VCF-style: chr5-112174608-G-A.
Other names: c.3317G>A, p.Gly1106Glu (NM_001127510.3, NM_001354895.2); c.3263G>A, p.Gly1088Glu (NM_001127511.3); c.3371G>A, p.Gly1124Glu (NM_001354896.2); c.3347G>A, p.Gly1116Glu (NM_001354897.2); c.3242G>A, p.Gly1081Glu (NM_001354898.2); c.3233G>A, p.Gly1078Glu (NM_001354899.2); c.3194G>A, p.Gly1065Glu (NM_001354900.2); c.3140G>A, p.Gly1047Glu (NM_001354901.2); and 5 more; short protein forms G1088E, G1106E, G1065E, G1124E, G823E, G980E, G1005E, G1015E.
Identifiers: ClinVar variation 582436 (VCV000582436.17), dbSNP rs1410671834, ClinGen allele CA16028609.